The following is an entry in ClinVar:

ClinVar aggregate classification (germline): Uncertain significance. Review status: criteria provided, single submitter (1 of 4 stars). 2 submissions from 2 submitters: Uncertain significance (1). 1 of the submissions does not count toward it. Last evaluated 2024-03-01.

Conditions:
SH2B1-related disorder. Also called: SH2B1-related condition.

Allele frequency attached by ClinVar (database versions not stated): ESP Exome Variant Server 0.00008; gnomAD 0.00008; TOPMed 0.00015; ExAC 0.00019.
gnomAD v4.1: 236 of 1,610,642 alleles (0.015%); highest among the groups gnomAD compares: Admixed American, 0.048%; no homozygotes.

Submissions (2):

Labcorp Genetics (formerly Invitae), Labcorp
Classification: Uncertain significance. Last evaluated: 2024-03-01. Review status: criteria provided, single submitter. Criteria: Invitae Variant Classification Sherloc (09022015). Collection method: clinical testing. Allele origin: germline.
Comment: This sequence change replaces arginine, which is basic and polar, with histidine, which is basic and polar, at codon 67 of the SH2B1 protein (p.Arg67His). This variant is present in population databases (rs375578823, gnomAD 0.05%). This variant has not been reported in the literature in individuals affected with SH2B1-related conditions. An algorithm developed to predict the effect of missense changes on protein structure and function (PolyPhen-2) suggests that this variant is likely to be tolerated. In summary, the available evidence is currently insufficient to determine the role of this variant in disease. Therefore, it has been classified as a Variant of Uncertain Significance.

PreventionGenetics, part of Exact Sciences
Classification: Likely benign for SH2B1-related condition. Last evaluated: 2022-09-22. Review status: no assertion criteria provided. Collection method: clinical testing. Allele origin: germline. Not counted in ClinVar's aggregate classification.
Comment: This variant is classified as likely benign based on ACMG/AMP sequence variant interpretation guidelines (Richards et al. 2015 PMID: 25741868, with internal and published modifications).

NM_001387430.1(SH2B1):c.200G>A (p.Arg67His)

Gene: SH2B1 (SH2B adaptor protein 1; plus strand). Cytogenetic location: 16p11.2.
Variant type: single nucleotide variant.
Coding change: c.200G>A on transcript NM_001387430.1 (MANE Select); coding-DNA position 200, G replaced by A.
Protein change: p.Arg67His; replaces arginine 67 with histidine.
Molecular consequence: missense variant. On other transcripts: intron variant (1).
Genome position (GRCh38, 1-based): chr16:28,866,294, G>A. VCF-style: chr16-28866294-G-A. GRCh37 (hg19) VCF-style: chr16-28877615-G-A.
Other names: c.200G>A, p.Arg67His (NM_001145795.2, NM_001145796.2, NM_001145797.2 and 4 more transcripts); c.-26-1080G>A (NM_001308294.2); short protein forms R67H.
Identifiers: ClinVar variation 3049187 (VCV003049187.4), dbSNP rs375578823, ClinGen allele CA7985873.